The following is an entry in ClinVar:

NM_000368.5(TSC1):c.2466dup (p.His823fs)

Gene: TSC1 (TSC complex subunit 1; minus strand). Cytogenetic location: 9q34.13.
Variant type: Duplication.
Coding change: c.2466dup on transcript NM_000368.5 (MANE Select); coding-DNA position 2466, one base duplicated (T; older notation c.2466dupT).
Protein change: p.His823fs; shifts the reading frame from histidine 823.
Molecular consequence: frameshift variant. On other transcripts: non-coding transcript variant (5), intron variant (8).
Genome position (GRCh38, 1-based): chr9:132,901,625, A duplicated on the plus strand (T on the coding strand, the reverse complement: TSC1 is on the minus strand). VCF-style (leftmost placement, unchanged base first): chr9-132901624-G-GA. GRCh37 (hg19) VCF-style: chr9-135777011-G-GA.
Other names: c.2463dup, p.His822fs (NM_001162426.2, NM_001406597.1, NM_001406598.1 and 2 more transcripts); c.2313dup, p.His772fs (NM_001162427.2, NM_001406610.1); c.2103dup, p.His702fs (NM_001362177.2, NM_001406614.1, NM_001406615.1 and 4 more transcripts); c.2466dup, p.His823fs (NM_001406592.1, NM_001406593.1, NM_001406594.1 and 2 more transcripts); c.2451dup, p.His818fs (NM_001406601.1, NM_001406602.1); c.2448dup, p.His817fs (NM_001406603.1, NM_001406604.1); c.2310dup, p.His771fs (NM_001406611.1, NM_001406612.1); c.2100dup, p.His701fs (NM_001406620.1, NM_001406621.1, NM_001406622.1 and 1 more transcripts); and 9 more; short protein forms H472fs, H771fs, H772fs, H817fs, H506fs, H701fs, H702fs, H818fs.
Identifiers: ClinVar variation 5031192 (VCV005031192.1).

ClinVar aggregate classification (germline): Pathogenic (1 of 4 stars; one submission).

Conditions:
Hereditary cancer-predisposing syndrome. Also called: Neoplastic Syndromes, Hereditary; Tumor predisposition; Hereditary neoplastic syndrome; Hereditary Cancer Syndrome. Identifiers: Orphanet 140162, MedGen C0027672, MeSH D009386, MONDO:0015356.

Submission:

Ambry Genetics
Classification: Pathogenic for Hereditary cancer-predisposing syndrome. Last evaluated: 2026-06-25. Review status: criteria provided, single submitter. Criteria: Ambry Variant Classification Scheme 2023. Collection method: clinical testing. Allele origin: germline.
Comment: The c.2466dupT pathogenic mutation, located in coding exon 17 of the TSC1 gene, results from a duplication of T at nucleotide position 2466, causing a translational frameshift with a predicted alternate stop codon (p.H823Sfs*3). This variant is considered to be rare based on population cohorts in the Genome Aggregation Database (gnomAD). This alteration is expected to result in loss of function by premature protein truncation or nonsense-mediated mRNA decay. As such, this alteration is interpreted as a disease-causing mutation.